The following is an entry in ClinVar:

NM_001365951.3(KIF1B):c.-136C>T

Gene: KIF1B (kinesin family member 1B; plus strand). Cytogenetic location: 1p36.22.
Variant type: single nucleotide variant.
Coding change: c.-136C>T on transcript NM_001365951.3 (MANE Select); 136 bases upstream of the start codon, C replaced by T.
Molecular consequence: 5 prime UTR variant.
Genome position (GRCh38, 1-based): chr1:10,210,822, C>T. VCF-style: chr1-10210822-C-T. GRCh37 (hg19) VCF-style: chr1-10270880-C-T.
Other names: c.-136C>T (NM_015074.3, NM_183416.4).
Identifiers: ClinVar variation 291459 (VCV000291459.7), dbSNP rs181820595, ClinGen allele CA10607166.

ClinVar aggregate classification (germline): Benign. Review status: criteria provided, multiple submitters, no conflicts (2 of 4 stars). 3 submissions from 3 submitters: Benign (3). Last evaluated 2018-06-23.

Conditions:
Neuroblastoma (NB). Identifiers: Orphanet 635, MedGen C0027819, MeSH D009447, MONDO:0005072, HP:0003006.

Allele frequency attached by ClinVar (database versions not stated): gnomAD 0.02207 and 0.02054; 1000 Genomes Project 0.02975; TOPMed 0.01864; 1000 Genomes Project 30x 0.03357.

Submissions (3):

GeneDx
Classification: Benign. Last evaluated: 2018-06-23. Review status: criteria provided, single submitter. Criteria: GeneDx Variant Classification Process June 2021. Collection method: clinical testing. Allele origin: germline. Affected: yes.

Illumina Laboratory Services, Illumina
Classification: Benign for Neuroblastoma. Last evaluated: 2018-01-13. Review status: criteria provided, single submitter. Criteria: ICSL Variant Classification Criteria 13 December 2019. Collection method: clinical testing. Allele origin: germline.
Comment: This variant was observed in the ICSL laboratory as part of a predisposition screen in an ostensibly healthy population. It had not been previously curated by ICSL or reported in the Human Gene Mutation Database (HGMD: prior to June 1st, 2018), and was therefore a candidate for classification through an automated scoring system. Utilizing variant allele frequency, disease prevalence and penetrance estimates, and inheritance mode, an automated score was calculated to assess if this variant is too frequent to cause the disease. Based on the score and internal cut-off values, a variant classified as benign is not then subjected to further curation. The score for this variant resulted in a classification of benign for this disease.

Breakthrough Genomics
Classification: Benign. Review status: criteria provided, single submitter. Criteria: ACMG Guidelines, 2015. Collection method: not provided. Allele origin: germline. Inheritance: Autosomal dominant inheritance. Affected: yes.